The following is an entry in ClinVar:

ClinVar aggregate classification (germline): Uncertain significance (1 of 4 stars; one submission).

gnomAD v4.1: 1 of 1,613,502 alleles (0.000062%); highest among the groups gnomAD compares: Admixed American, 0.0017%; no homozygotes.

Submissions (2):

Labcorp Genetics (formerly Invitae), Labcorp
Classification: Uncertain significance. Last evaluated: 2022-07-15. Review status: criteria provided, single submitter. Criteria: Invitae Variant Classification Sherloc (09022015). Collection method: clinical testing. Allele origin: germline.
Comment: This sequence change replaces arginine, which is basic and polar, with leucine, which is neutral and non-polar, at codon 1022 of the MYO18B protein (p.Arg1022Leu). This variant is not present in population databases (gnomAD no frequency). This variant has not been reported in the literature in individuals affected with MYO18B-related conditions. Algorithms developed to predict the effect of missense changes on protein structure and function are either unavailable or do not agree on the potential impact of this missense change (SIFT: "Not Available"; PolyPhen-2: "Benign"; Align-GVGD: "Not Available"). In summary, the available evidence is currently insufficient to determine the role of this variant in disease. Therefore, it has been classified as a Variant of Uncertain Significance.

Dr. Peter K. Rogan Lab, Western University
No classification provided (evidence only). Condition: Malignant tumor of esophagus. Review status: no classification provided. Collection method: in vitro. Allele origin: not applicable. Functional consequence: retained intron. Not counted in ClinVar's aggregate classification.

NM_032608.7(MYO18B):c.3065G>T (p.Arg1022Leu)

Gene: MYO18B (myosin XVIIIB; plus strand). Cytogenetic location: 22q12.1.
Variant type: single nucleotide variant.
Coding change: c.3065G>T on transcript NM_032608.7 (MANE Select); coding-DNA position 3065, G replaced by T.
Protein change: p.Arg1022Leu; replaces arginine 1022 with leucine.
Molecular consequence: missense variant.
Genome position (GRCh38, 1-based): chr22:25,835,300, G>T. VCF-style: chr22-25835300-G-T. GRCh37 (hg19) VCF-style: chr22-26231267-G-T.
Other names: c.3068G>T, p.Arg1023Leu (NM_001318245.2); short protein forms R1022L, R1023L.
Identifiers: ClinVar variation 2111465 (VCV002111465.5), dbSNP rs764469212, ClinGen allele CA411002254.